The following is an entry in ClinVar:

NM_001429.4(EP300):c.5271C>T (p.Ser1757=)

Gene: EP300 (EP300 lysine acetyltransferase; plus strand). Cytogenetic location: 22q13.2.
Variant type: single nucleotide variant.
Coding change: c.5271C>T on transcript NM_001429.4 (MANE Select); coding-DNA position 5271, C replaced by T.
Protein change: p.Ser1757=; no amino-acid change (serine 1757 retained).
Molecular consequence: synonymous variant.
Genome position (GRCh38, 1-based): chr22:41,176,982, C>T. VCF-style: chr22-41176982-C-T. GRCh37 (hg19) VCF-style: chr22-41572986-C-T.
Other names: c.5193C>T, p.Ser1731= (NM_001362843.2).
Identifiers: ClinVar variation 718136 (VCV000718136.14), dbSNP rs138917060, ClinGen allele CA10253616.

ClinVar aggregate classification (germline): Benign/Likely benign. Review status: criteria provided, multiple submitters, no conflicts (2 of 4 stars). 5 submissions from 5 submitters: Benign (3); Likely benign (1). 1 of the submissions does not count toward it. Last evaluated 2025-10-07.

Conditions:
EP300-related disorder. Also called: EP300-related condition; EP300-related disorders.
Rubinstein-Taybi syndrome due to EP300 haploinsufficiency. Also called: EP300-Related Rubinstein-Taybi Syndrome; RUBINSTEIN-TAYBI SYNDROME 2. Identifiers: Orphanet 353284, Orphanet 783, MedGen C3150941, MONDO:0013364, OMIM 613684.

Allele frequency attached by ClinVar (database versions not stated): ExAC 0.00015; 1000 Genomes Project 0.00060; gnomAD 0.00060 and 0.00068; 1000 Genomes Project 30x 0.00062; ESP Exome Variant Server 0.00062; TOPMed 0.00072.

Submissions (5):

Labcorp Genetics (formerly Invitae), Labcorp
Classification: Benign for Rubinstein-Taybi syndrome due to EP300 haploinsufficiency. Last evaluated: 2025-10-07. Review status: criteria provided, single submitter. Criteria: Invitae Variant Classification Sherloc (09022015). Collection method: clinical testing. Allele origin: germline.

Blueprint Genetics
Classification: Likely benign. Last evaluated: 2024-10-22. Review status: criteria provided, single submitter. Criteria: ACMG Guidelines, 2015. Collection method: clinical testing. Allele origin: germline.

GeneDx
Classification: Benign. Last evaluated: 2019-04-03. Review status: criteria provided, single submitter. Criteria: GeneDx Variant Classification Process June 2021. Collection method: clinical testing. Allele origin: germline. Affected: yes.

Breakthrough Genomics
Classification: Benign. Review status: criteria provided, single submitter. Criteria: ACMG Guidelines, 2015. Collection method: not provided. Allele origin: germline. Inheritance: Autosomal dominant inheritance. Affected: yes.

PreventionGenetics, part of Exact Sciences
Classification: Likely benign for EP300-related condition. Last evaluated: 2021-07-26. Review status: no assertion criteria provided. Collection method: clinical testing. Allele origin: germline. Not counted in ClinVar's aggregate classification.
Comment: This variant is classified as likely benign based on ACMG/AMP sequence variant interpretation guidelines (Richards et al. 2015 PMID: 25741868, with internal and published modifications).